The following is an entry in ClinVar:

ClinVar aggregate classification (germline): Uncertain significance. Review status: criteria provided, multiple submitters, no conflicts (2 of 4 stars). 3 submissions from 3 submitters: Uncertain significance (3). Last evaluated 2025-11-16.

Conditions:
Hypertrophic cardiomyopathy. Also called: HYPERTROPHIC MYOCARDIOPATHY. Identifiers: Orphanet 217569, MedGen C0007194, MeSH D002312, MONDO:0005045, HP:0001639.

Allele frequency attached by ClinVar (database versions not stated): gnomAD exomes 0.00002 and 0.00003; ExAC 0.00004; gnomAD 0.00004 and 0.00005; TOPMed 0.00004.
gnomAD v4.1: 33 of 1,548,588 alleles (0.0021%); highest among the groups gnomAD compares: South Asian, 0.0037%; no homozygotes.

Submissions (3):

Labcorp Genetics (formerly Invitae), Labcorp
Classification: Uncertain significance for Hypertrophic cardiomyopathy. Last evaluated: 2025-11-16. Review status: criteria provided, single submitter. Criteria: Invitae Variant Classification Sherloc (09022015). Collection method: clinical testing. Allele origin: germline.
Comment: This sequence change replaces proline, which is neutral and non-polar, with leucine, which is neutral and non-polar, at codon 1042 of the MYOM1 protein (p.Pro1042Leu). This variant is present in population databases (rs761951856, gnomAD 0.007%). This variant has not been reported in the literature in individuals affected with MYOM1-related conditions. ClinVar contains an entry for this variant (Variation ID: 229020). Invitae Evidence Modeling of protein sequence and biophysical properties (such as structural, functional, and spatial information, amino acid conservation, physicochemical variation, residue mobility, and thermodynamic stability) has been performed for this missense variant. However, the output from this modeling did not meet the statistical confidence thresholds required to predict the impact of this variant on MYOM1 protein function. In summary, the available evidence is currently insufficient to determine the role of this variant in disease. Therefore, it has been classified as a Variant of Uncertain Significance.

Ambry Genetics
Classification: Uncertain significance. Last evaluated: 2025-09-21. Review status: criteria provided, single submitter. Criteria: Ambry Variant Classification Scheme 2023. Collection method: clinical testing. Allele origin: germline.
Comment: The p.P1042L variant (also known as c.3125C>T), located in coding exon 20 of the MYOM1 gene, results from a C to T substitution at nucleotide position 3125. The proline at codon 1042 is replaced by leucine, an amino acid with similar properties. This amino acid position is conserved. In addition, this alteration is predicted to be deleterious by in silico analysis. Since supporting evidence is limited at this time, the clinical significance of this alteration remains unclear.

Laboratory for Molecular Medicine, Mass General Brigham Personalized Medicine
Classification: Uncertain significance. Last evaluated: 2015-11-09. Review status: criteria provided, single submitter. Criteria: LMM Criteria. Collection method: clinical testing. Allele origin: germline. Observed: 1 variant allele.
Comment: The p.Pro1042Leu variant in MYOM1 has not been previously reported in individual s with cardiomyopathy, but has been identified in 3/63706 European chromosomes b y the Exome Aggregation Consortium (ExAC; dbSNP rs761951856). Computational prediction tools and conservation analysis suggest t hat the p.Pro1042Leu variant may impact the protein, though this information is not predictive enough to determine pathogenicity. In summary, the clinical signi ficance of the p.Pro1042Leu variant is uncertain.

NM_003803.4(MYOM1):c.3125C>T (p.Pro1042Leu)

Gene: MYOM1 (myomesin 1; minus strand). Cytogenetic location: 18p11.31.
Variant type: single nucleotide variant.
Coding change: c.3125C>T on transcript NM_003803.4 (MANE Select); coding-DNA position 3125, C replaced by T.
Protein change: p.Pro1042Leu; replaces proline 1042 with leucine.
Molecular consequence: missense variant.
Genome position (GRCh38, 1-based): chr18:3,116,509, G>A on the plus strand (C>T on the coding strand, the complement: MYOM1 is on the minus strand). VCF-style: chr18-3116509-G-A. GRCh37 (hg19) VCF-style: chr18-3116507-G-A.
Other names: c.2837C>T, p.Pro946Leu (NM_019856.2); short protein forms P1042L, P946L.
Identifiers: ClinVar variation 229020 (VCV000229020.16), dbSNP rs761951856, ClinGen allele CA8874398.